The following is an entry in ClinVar:

NM_000142.5(FGFR3):c.1933C>G (p.Leu645Val)

Gene: FGFR3 (fibroblast growth factor receptor 3; plus strand). Cytogenetic location: 4p16.3.
Variant type: single nucleotide variant.
Coding change: c.1933C>G on transcript NM_000142.5 (MANE Select); coding-DNA position 1933, C replaced by G.
Protein change: p.Leu645Val; replaces leucine 645 with valine.
Molecular consequence: missense variant. On other transcripts: non-coding transcript variant (1).
Genome position (GRCh38, 1-based): chr4:1,806,147, C>G. VCF-style: chr4-1806147-C-G. GRCh37 (hg19) VCF-style: chr4-1807874-C-G.
Other names: c.1939C>G, p.Leu647Val (NM_001163213.2); c.1936C>G, p.Leu646Val (NM_001354809.2, NM_001354810.2); c.1597C>G, p.Leu533Val (NM_022965.4); short protein forms L533V, L645V, L647V, L646V.
Identifiers: ClinVar variation 4694550 (VCV004694550.1).

ClinVar aggregate classification (germline): Uncertain significance (1 of 4 stars; one submission).

Submission:

Labcorp Genetics (formerly Invitae), Labcorp
Classification: Uncertain significance. Last evaluated: 2026-01-19. Review status: criteria provided, single submitter. Criteria: Invitae Variant Classification Sherloc (09022015). Collection method: clinical testing. Allele origin: germline.
Comment: This sequence change replaces leucine, which is neutral and non-polar, with valine, which is neutral and non-polar, at codon 645 of the FGFR3 protein (p.Leu645Val). This variant is present in population databases (no rsID available, gnomAD 0.002%). This variant has not been reported in the literature in individuals affected with FGFR3-related conditions. Invitae Evidence Modeling of protein sequence and biophysical properties (such as structural, functional, and spatial information, amino acid conservation, physicochemical variation, residue mobility, and thermodynamic stability) indicates that this missense variant is not expected to disrupt FGFR3 protein function with a negative predictive value of 95%. In summary, the available evidence is currently insufficient to determine the role of this variant in disease. Therefore, it has been classified as a Variant of Uncertain Significance.